The following is an entry in ClinVar:

NM_006231.4(POLE):c.5158G>A (p.Gly1720Ser)

Gene: POLE (DNA polymerase epsilon, catalytic subunit; minus strand). Cytogenetic location: 12q24.33.
Variant type: single nucleotide variant.
Coding change: c.5158G>A on transcript NM_006231.4 (MANE Select); coding-DNA position 5158, G replaced by A.
Protein change: p.Gly1720Ser; replaces glycine 1720 with serine.
Molecular consequence: missense variant.
Genome position (GRCh38, 1-based): chr12:132,642,192, C>T on the plus strand (G>A on the coding strand, the complement: POLE is on the minus strand). VCF-style: chr12-132642192-C-T. GRCh37 (hg19) VCF-style: chr12-133218778-C-T.
Other names: short protein forms G1720S.
Identifiers: ClinVar variation 1745701 (VCV001745701.2), dbSNP rs2541883224, ClinGen allele CA387376663.

ClinVar aggregate classification (germline): Uncertain significance (1 of 4 stars; one submission).

Conditions:
Hereditary cancer-predisposing syndrome. Also called: Hereditary Cancer Syndrome; Neoplastic Syndromes, Hereditary; Tumor predisposition; Hereditary neoplastic syndrome. Identifiers: Orphanet 140162, MedGen C0027672, MeSH D009386, MONDO:0015356.

Submission:

Ambry Genetics
Classification: Uncertain significance for Hereditary cancer-predisposing syndrome. Last evaluated: 2022-01-10. Review status: criteria provided, single submitter. Criteria: Ambry Variant Classification Scheme 2023. Collection method: clinical testing. Allele origin: germline.
Comment: The p.G1720S variant (also known as c.5158G>A), located in coding exon 38 of the POLE gene, results from a G to A substitution at nucleotide position 5158. The glycine at codon 1720 is replaced by serine, an amino acid with similar properties. This amino acid position is conserved. In addition, the in silico prediction for this alteration is inconclusive. Since supporting evidence is limited at this time, the clinical significance of this alteration remains unclear.